The following is an entry in ClinVar:

NM_002691.4(POLD1):c.3163T>C (p.Trp1055Arg)

Gene: POLD1 (DNA polymerase delta 1, catalytic subunit; plus strand). Cytogenetic location: 19q13.33.
Variant type: single nucleotide variant.
Coding change: c.3163T>C on transcript NM_002691.4 (MANE Select); coding-DNA position 3163, T replaced by C.
Protein change: p.Trp1055Arg; replaces tryptophan 1055 with arginine.
Molecular consequence: missense variant. On other transcripts: non-coding transcript variant (1).
Genome position (GRCh38, 1-based): chr19:50,417,214, T>C. VCF-style: chr19-50417214-T-C. GRCh37 (hg19) VCF-style: chr19-50920471-T-C.
Other names: c.3163T>C, p.Trp1055Arg (NM_001256849.1); c.3241T>C, p.Trp1081Arg (NM_001308632.1); short protein forms W1081R, W1055R.
Identifiers: ClinVar variation 3421935 (VCV003421935.1).
Genomic context (GRCh38, chr19:50,417,214, plus strand): 5'-AGCCGCTGCCGTCCCCAGGTATCCCATCTGAATGCCCTGGAGGAGCGCTTCTCGCGCCTC[T>C]GGACGCAGTGCCAGCGCTGCCAGGGCAGCCTGCACGAGGACGTCATCTGCACCAGGTGTG-3'
Protein context (NP_002682.2, residues 1045-1065): NALEERFSRL[Trp1055Arg]TQCQRCQGSL

ClinVar aggregate classification (germline): Uncertain significance (1 of 4 stars; one submission).

Conditions:
Hereditary cancer-predisposing syndrome. Also called: Neoplastic Syndromes, Hereditary; Tumor predisposition; Hereditary Cancer Syndrome; Hereditary neoplastic syndrome. Identifiers: Orphanet 140162, MedGen C0027672, MeSH D009386, MONDO:0015356.

gnomAD v4.1: 1 of 1,606,712 alleles (0.000062%); highest among the groups gnomAD compares: Non-Finnish European, 0.000085%; no homozygotes.

Submission:

Ambry Genetics
Classification: Uncertain significance for Hereditary cancer-predisposing syndrome. Last evaluated: 2024-12-02. Review status: criteria provided, single submitter. Criteria: Ambry Variant Classification Scheme 2023. Collection method: clinical testing. Allele origin: germline.
Comment: The p.W1055R variant (also known as c.3163T>C), located in coding exon 25 of the POLD1 gene, results from a T to C substitution at nucleotide position 3163. The tryptophan at codon 1055 is replaced by arginine, an amino acid with dissimilar properties. This amino acid position is conserved. In addition, the in silico prediction for this alteration is inconclusive. Based on the available evidence, the clinical significance of this variant remains unclear.